The following is an entry in ClinVar:

NM_172107.4(KCNQ2):c.807G>T (p.Trp269Cys)

Gene: KCNQ2 (potassium voltage-gated channel subfamily Q member 2; minus strand). Cytogenetic location: 20q13.33.
Variant type: single nucleotide variant.
Coding change: c.807G>T on transcript NM_172107.4 (MANE Select); coding-DNA position 807, G replaced by T.
Protein change: p.Trp269Cys; replaces tryptophan 269 with cysteine.
Molecular consequence: missense variant.
Genome position (GRCh38, 1-based): chr20:63,442,415, C>A on the plus strand (G>T on the coding strand, the complement: KCNQ2 is on the minus strand). VCF-style: chr20-63442415-C-A. GRCh37 (hg19) VCF-style: chr20-62073768-C-A.
Other names: c.807G>T, p.Trp269Cys (NM_001382235.1, NM_004518.6, NM_172106.3 and 2 more transcripts); short protein forms W269C.
Identifiers: ClinVar variation 1700189 (VCV001700189.3), dbSNP rs118192208, ClinGen allele CA409653355.

ClinVar aggregate classification (germline): Pathogenic. Review status: criteria provided, multiple submitters, no conflicts (2 of 4 stars). 2 submissions from 2 submitters: Pathogenic (2). Last evaluated 2024-04-30.

Conditions:
Seizures, benign familial neonatal, 1. Also called: Benign Neonatal Epilepsy 1; KCNQ2-Related Self-Limited Familial Neonatal Epilepsy (SLFNE); Seizures, benign neonatal, 1; KCNQ2-Related Benign Familial Neonatal Epilepsy. Identifiers: Orphanet 1949, MedGen C3149074, MONDO:0007365, OMIM 121200.
Early-infantile DEE. Also called: Ohtahara syndrome; Early infantile epileptic encephalopathy with suppression bursts; Early infantile epileptic encephalopathy. Identifiers: Orphanet 1934, MedGen C0393706, MONDO:0800491.

Submissions (2):

Labcorp Genetics (formerly Invitae), Labcorp
Classification: Pathogenic for Early-infantile DEE. Last evaluated: 2024-04-30. Review status: criteria provided, single submitter. Criteria: Invitae Variant Classification Sherloc (09022015). Collection method: clinical testing. Allele origin: germline.
Comment: This sequence change replaces tryptophan, which is neutral and slightly polar, with cysteine, which is neutral and slightly polar, at codon 269 of the KCNQ2 protein (p.Trp269Cys). This variant is not present in population databases (gnomAD no frequency). This missense change has been observed in individual(s) with clinical features of epileptic encephalopathy (PMID: 34711204; Invitae). In at least one individual the variant was observed to be de novo. ClinVar contains an entry for this variant (Variation ID: 1700189). Advanced modeling of protein sequence and biophysical properties (such as structural, functional, and spatial information, amino acid conservation, physicochemical variation, residue mobility, and thermodynamic stability) performed at Invitae indicates that this missense variant is expected to disrupt KCNQ2 protein function with a positive predictive value of 95%. For these reasons, this variant has been classified as Pathogenic.

Centre de Biologie Pathologie Génétique, Centre Hospitalier Universitaire de Lille
Classification: Pathogenic for Seizures, benign familial neonatal, 1. Review status: criteria provided, single submitter. Criteria: ACMG Guidelines, 2015. Collection method: clinical testing. Allele origin: de novo. Affected: yes.

Literature cited by the submitters: PubMed 34711204 (cited by Labcorp Genetics (formerly Invitae), Labcorp).